The following is an entry in ClinVar:

ClinVar aggregate classification (germline): Benign/Likely benign. Review status: criteria provided, multiple submitters, no conflicts (2 of 4 stars). 4 submissions from 4 submitters: Benign (1); Likely benign (2). 1 of the submissions does not count toward it. Last evaluated 2025-03-20.

Conditions:
Inborn genetic diseases. Identifiers: MedGen C0950123, MeSH D030342.
SETD1B-related disorder. Also called: SETD1B-related condition.

Allele frequency attached by ClinVar (database versions not stated): gnomAD exomes 0.00008 and 0.00013; ExAC 0.00019; gnomAD 0.00057 and 0.00059; TOPMed 0.00067; 1000 Genomes Project 30x 0.00078; 1000 Genomes Project 0.00080.

Submissions (4):

Ambry Genetics
Classification: Likely benign for Inborn genetic diseases. Last evaluated: 2025-03-20. Review status: criteria provided, single submitter. Criteria: Ambry Variant Classification Scheme 2023. Collection method: clinical testing. Allele origin: germline.

Blueprint Genetics
Classification: Likely benign. Last evaluated: 2024-03-11. Review status: criteria provided, single submitter. Criteria: ACMG Guidelines, 2015. Collection method: clinical testing. Allele origin: germline.

CeGaT Center for Human Genetics Tuebingen
Classification: Benign. Last evaluated: 2022-04-01. Review status: criteria provided, single submitter. Criteria: CeGaT Center For Human Genetics Tuebingen Variant Classification Criteria Version 2. Collection method: clinical testing. Allele origin: germline. Affected: yes. Observed: 1 variant allele.
Comment: SETD1B: BS1, BS2

PreventionGenetics, part of Exact Sciences
Classification: Likely benign for SETD1B-related condition. Last evaluated: 2022-02-09. Review status: no assertion criteria provided. Collection method: clinical testing. Allele origin: germline. Not counted in ClinVar's aggregate classification.
Comment: This variant is classified as likely benign based on ACMG/AMP sequence variant interpretation guidelines (Richards et al. 2015 PMID: 25741868, with internal and published modifications).

NM_001353345.2(SETD1B):c.4055C>T (p.Pro1352Leu)

Gene: SETD1B (SET domain containing 1B, histone lysine methyltransferase; plus strand). Cytogenetic location: 12q24.31.
Variant type: single nucleotide variant.
Coding change: c.4055C>T on transcript NM_001353345.2 (MANE Select); coding-DNA position 4055, C replaced by T.
Protein change: p.Pro1352Leu; replaces proline 1352 with leucine.
Molecular consequence: missense variant.
Genome position (GRCh38, 1-based): chr12:121,822,634, C>T. VCF-style: chr12-121822634-C-T. GRCh37 (hg19) VCF-style: chr12-122260540-C-T.
Other names: NM_015048.1:c.3926C>T; short protein forms P1352L.
Identifiers: ClinVar variation 1694685 (VCV001694685.33), dbSNP rs192950528, ClinGen allele CA6839144.